The following is an entry in ClinVar:

NM_000245.4(MET):c.1318A>C (p.Thr440Pro)

Gene: MET (MET proto-oncogene, receptor tyrosine kinase; plus strand). Cytogenetic location: 7q31.2.
Variant type: single nucleotide variant.
Coding change: c.1318A>C on transcript NM_000245.4 (MANE Select); coding-DNA position 1318, A replaced by C.
Protein change: p.Thr440Pro; replaces threonine 440 with proline.
Molecular consequence: missense variant.
Genome position (GRCh38, 1-based): chr7:116,731,785, A>C. VCF-style: chr7-116731785-A-C. GRCh37 (hg19) VCF-style: chr7-116371839-A-C.
Other names: c.1318A>C, p.Thr440Pro (NM_001127500.3, NM_001324401.3); c.28A>C, p.Thr10Pro (NM_001324402.2); short protein forms T10P, T440P.
Identifiers: ClinVar variation 1019320 (VCV001019320.8), dbSNP rs1793016615, ClinGen allele CA368972918.

ClinVar aggregate classification (germline): Uncertain significance (1 of 4 stars; one submission).

Conditions:
Renal cell carcinoma. Identifiers: Orphanet 217071, MedGen C0007134, MeSH D002292, MONDO:0005086, HP:0005584.

Submission:

Labcorp Genetics (formerly Invitae), Labcorp
Classification: Uncertain significance for Renal cell carcinoma. Last evaluated: 2020-09-03. Review status: criteria provided, single submitter. Criteria: Invitae Variant Classification Sherloc (09022015). Collection method: clinical testing. Allele origin: germline.
Comment: In summary, the available evidence is currently insufficient to determine the role of this variant in disease. Therefore, it has been classified as a Variant of Uncertain Significance. Algorithms developed to predict the effect of missense changes on protein structure and function are either unavailable or do not agree on the potential impact of this missense change (SIFT: "Deleterious"; PolyPhen-2: "Probably Damaging"; Align-GVGD: "Class C0"). This variant has not been reported in the literature in individuals with MET-related conditions. This variant is not present in population databases (ExAC no frequency). This sequence change replaces threonine with proline at codon 440 of the MET protein (p.Thr440Pro). The threonine residue is highly conserved and there is a small physicochemical difference between threonine and proline.